The following is an entry in ClinVar:

ClinVar aggregate classification (germline): Conflicting classifications of pathogenicity. Review status: criteria provided, conflicting classifications (1 of 4 stars). 5 submissions from 5 submitters: Uncertain significance (3); Likely benign (2). Last evaluated 2026-03-12.

Conditions:
Ehlers-Danlos syndrome, classic type, 1 (EDSCL1). Also called: EHLERS-DANLOS SYNDROME, GRAVIS TYPE; EHLERS-DANLOS SYNDROME, SEVERE CLASSIC TYPE; Ehlers-Danlos syndrome, type 1; Ehlers-Danlos Syndrome, Classic Type, COL5A1-Related; EDS I. Identifiers: MedGen C0268335, MONDO:0019567, OMIM 130000.
Familial thoracic aortic aneurysm and aortic dissection (TAAD). Also called: Thoracic aortic aneurysms and dissections. Identifiers: Orphanet 91387, MedGen C4707243, MONDO:0019625.
Ehlers-Danlos syndrome, classic type, 2 (EDSCL2). Also called: Ehlers-Danlos syndrome type 2 (formerly); Ehlers-Danlos syndrome, type 2; Ehlers-Danlos Syndrome, Classic Type, COL5A2-Related. Identifiers: Orphanet 287, Orphanet 90318, MedGen C0268336, MONDO:0019568, OMIM 130010.

Allele frequency attached by ClinVar (database versions not stated): gnomAD 0.00003 and 0.00004; TOPMed 0.00003; ESP Exome Variant Server 0.00008.
gnomAD v4.1: 25 of 1,612,316 alleles (0.0016%); highest among the groups gnomAD compares: Non-Finnish European, 0.002%; no homozygotes.

Submissions (5):

Ambry Genetics
Classification: Likely benign for Familial thoracic aortic aneurysm and aortic dissection. Last evaluated: 2026-03-12. Review status: criteria provided, single submitter. Criteria: Ambry Variant Classification Scheme 2023. Collection method: clinical testing. Allele origin: germline.

Labcorp Genetics (formerly Invitae), Labcorp
Classification: Likely benign for Ehlers-Danlos syndrome, classic type, 1. Last evaluated: 2025-12-14. Review status: criteria provided, single submitter. Criteria: Invitae Variant Classification Sherloc (09022015). Collection method: clinical testing. Allele origin: germline.

GeneDx
Classification: Uncertain significance. Last evaluated: 2025-03-18. Review status: criteria provided, single submitter. Criteria: GeneDx Variant Classification Process June 2021. Collection method: clinical testing. Allele origin: germline. Affected: yes.
Comment: Has not been previously published as pathogenic or benign to our knowledge; Not observed at significant frequency in large population cohorts (gnomAD); In silico analysis supports that this missense variant has a deleterious effect on protein structure/function; Not located in the triple helical region, where the majority of pathogenic missense variants occur (PMID: 22696272); This variant is associated with the following publications: (PMID: 22696272)

ARUP Laboratories, Molecular Genetics and Genomics, ARUP Laboratories
Classification: Uncertain significance for Ehlers-Danlos syndrome, classic type, 2. Last evaluated: 2024-11-22. Review status: criteria provided, single submitter. Criteria: ARUP Molecular Germline Variant Investigation Process 2024. Collection method: clinical testing. Allele origin: germline.
Comment: The COL5A2 c.398C>T; p.Pro133Leu variant (rs374225489), to our knowledge, is not reported in the medical literature but is reported in ClinVar (Variation ID: 213141). This variant is found in the general population with an overall allele frequency of 0.002% (4/251,266 alleles) in the Genome Aggregation Database (v2.1.1). Computational analyses are uncertain whether this variant is neutral or deleterious (REVEL: 0.431). Due to limited information, the clinical significance of this variant is uncertain at this time.

CeGaT Center for Human Genetics Tuebingen
Classification: Uncertain significance. Last evaluated: 2022-01-01. Review status: criteria provided, single submitter. Criteria: CeGaT Center For Human Genetics Tuebingen Variant Classification Criteria Version 2. Collection method: clinical testing. Allele origin: germline. Affected: yes. Observed: 1 variant allele.

NM_000393.5(COL5A2):c.398C>T (p.Pro133Leu)

Gene: COL5A2 (collagen type V alpha 2 chain; minus strand). Cytogenetic location: 2q32.2.
Variant type: single nucleotide variant.
Coding change: c.398C>T on transcript NM_000393.5 (MANE Select); coding-DNA position 398, C replaced by T.
Protein change: p.Pro133Leu; replaces proline 133 with leucine.
Molecular consequence: missense variant.
Genome position (GRCh38, 1-based): chr2:189,098,731, G>A on the plus strand (C>T on the coding strand, the complement: COL5A2 is on the minus strand). VCF-style: chr2-189098731-G-A. GRCh37 (hg19) VCF-style: chr2-189963457-G-A.
Other names: p.P133L:CCG>CTG; short protein forms P133L.
Identifiers: ClinVar variation 213141 (VCV000213141.44), dbSNP rs374225489, ClinGen allele CA324965.